The following is an entry in ClinVar:

ClinVar aggregate classification (germline): Pathogenic (1 of 4 stars; one submission).

Conditions:
Primary ciliary dyskinesia. Also called: Ciliary dyskinesia. Identifiers: Orphanet 244, MedGen C0008780, MONDO:0016575, HP:0012265.

Allele frequency attached by ClinVar (database versions not stated): gnomAD exomes below 0.00001; ExAC 0.00001.

Submission:

Ambry Genetics
Classification: Pathogenic for Primary ciliary dyskinesia. Last evaluated: 2016-11-16. Review status: criteria provided, single submitter. Criteria: Ambry Variant Classification Scheme 2023. Collection method: clinical testing. Allele origin: germline.
Comment: The c.331dupA pathogenic mutation, located in coding exon 3 of the DNAAF1 gene, results from a duplication of A at nucleotide position 331, causing a translational frameshift with a predicted alternate stop codon (p.T111Nfs*7). This alteration is expected to result in loss of function by premature protein truncation or nonsense-mediated mRNA decay. As such, this alteration is interpreted as a disease-causing mutation.

NM_178452.6(DNAAF1):c.331dup (p.Thr111fs)

Gene: DNAAF1 (dynein axonemal assembly factor 1; plus strand). Cytogenetic location: 16q24.1.
Variant type: Duplication.
Coding change: c.331dup on transcript NM_178452.6 (MANE Select); coding-DNA position 331, one base duplicated (A; older notation c.331dupA).
Protein change: p.Thr111fs; shifts the reading frame from threonine 111.
Molecular consequence: frameshift variant.
Genome position (GRCh38, 1-based): chr16:84,150,321, A duplicated. VCF-style (leftmost placement, unchanged base first): chr16-84150320-T-TA. GRCh37 (hg19) VCF-style: chr16-84183925-T-TA.
Other names: short protein forms T111fs.
Identifiers: ClinVar variation 1730182 (VCV001730182.2), dbSNP rs767808030, ClinGen allele CA8202445.